The following is an entry in ClinVar:

ClinVar aggregate classification (germline): Uncertain significance (1 of 4 stars; one submission).

Conditions:
MASTL-related disorder. Also called: MASTL-related condition.

Allele frequency attached by ClinVar (database versions not stated): gnomAD 0.00001; ExAC 0.00003; 1000 Genomes Project 0.00020; 1000 Genomes Project 30x 0.00047.
gnomAD v4.1: 12 of 1,614,116 alleles (0.00074%); highest among the groups gnomAD compares: South Asian, 0.012%; no homozygotes.

Submission:

PreventionGenetics, part of Exact Sciences
Classification: Uncertain significance for MASTL-related condition. Last evaluated: 2022-11-09. Review status: criteria provided, single submitter. Criteria: ACMG Guidelines, 2015. Collection method: clinical testing. Allele origin: germline.
Comment: The MASTL c.1292G>C variant is predicted to result in the amino acid substitution p.Gly431Ala. To our knowledge, this variant has not been reported in the literature. This variant is reported in 0.016% of alleles in individuals of South Asian descent in gnomAD. At this time, the clinical significance of this variant is uncertain due to the absence of conclusive functional and genetic evidence.

NM_001172303.3(MASTL):c.1292G>C (p.Gly431Ala)

Gene: MASTL (microtubule associated serine/threonine kinase like; plus strand). Cytogenetic location: 10p12.1.
Variant type: single nucleotide variant.
Coding change: c.1292G>C on transcript NM_001172303.3 (MANE Select); coding-DNA position 1292, G replaced by C.
Protein change: p.Gly431Ala; replaces glycine 431 with alanine.
Molecular consequence: missense variant. On other transcripts: non-coding transcript variant (1).
Genome position (GRCh38, 1-based): chr10:27,170,251, G>C. VCF-style: chr10-27170251-G-C. GRCh37 (hg19) VCF-style: chr10-27459180-G-C.
Other names: c.1292G>C, p.Gly431Ala (NM_001172304.3, NM_001320756.2, NM_001320757.2 and 1 more transcripts); c.809G>C, p.Gly270Ala (NM_001372029.1, NM_001372030.1); short protein forms G270A, G431A.
Identifiers: ClinVar variation 2635535 (VCV002635535.1), dbSNP rs537654014, ClinGen allele CA5450188.